The following is an entry in ClinVar:

NM_001166108.2(PALLD):c.2704C>A (p.Pro902Thr)

Genes: CBR4 (carbonyl reductase 4; minus strand), PALLD (palladin, cytoskeletal associated protein; plus strand). Cytogenetic location: 4q32.3.
Variant type: single nucleotide variant.
Coding change: c.2704C>A on transcript NM_001166108.2 (MANE Select); coding-DNA position 2704, C replaced by A.
Protein change: p.Pro902Thr; replaces proline 902 with threonine.
Molecular consequence: missense variant.
Genome position (GRCh38, 1-based): chr4:168,914,008, C>A. VCF-style: chr4-168914008-C-A. GRCh37 (hg19) VCF-style: chr4-169835159-C-A.
Other names: c.532C>A, p.Pro178Thr (NM_001367569.1, NM_001367567.1); c.583C>A, p.Pro195Thr (NM_001367570.1, NM_001367568.1); c.2653C>A, p.Pro885Thr (NM_016081.4); c.1507C>A, p.Pro503Thr (NM_001166109.2); c.1192C>A, p.Pro398Thr (NM_001166110.2); short protein forms P503T, P178T, P885T, P902T, P195T, P398T.
Identifiers: ClinVar variation 834246 (VCV000834246.9), dbSNP rs114673468, ClinGen allele CA358705329.
Genomic context (GRCh38, chr4:168,914,008, plus strand): 5'-CGGCTAATGGTACAGGCTGTCAACCAAAGAGGTCGAAGTCCCCGGTCTCCCTCAGGCCAT[C>A]CTCATGTCAGAAGGTATTTAACATGTTCCTTCCCAGAAGTGTTACATTATTTTATTTATT-3'
Protein context (NP_001159580.1, residues 892-912): GRSPRSPSGH[Pro902Thr]HVRRPRSRSR

ClinVar aggregate classification (germline): Uncertain significance (1 of 4 stars; one submission).

Conditions:
Pancreatic adenocarcinoma. Identifiers: MedGen C0281361, MONDO:0006047, HP:0006725.

Submission:

Labcorp Genetics (formerly Invitae), Labcorp
Classification: Uncertain significance for Pancreatic adenocarcinoma. Last evaluated: 2022-08-26. Review status: criteria provided, single submitter. Criteria: Invitae Variant Classification Sherloc (09022015). Collection method: clinical testing. Allele origin: germline.
Comment: In summary, the available evidence is currently insufficient to determine the role of this variant in disease. Therefore, it has been classified as a Variant of Uncertain Significance. Algorithms developed to predict the effect of missense changes on protein structure and function are either unavailable or do not agree on the potential impact of this missense change (SIFT: "Deleterious"; PolyPhen-2: "Benign"; Align-GVGD: "Class C35"). ClinVar contains an entry for this variant (Variation ID: 834246). This variant has not been reported in the literature in individuals affected with PALLD-related conditions. This variant is not present in population databases (gnomAD no frequency). This sequence change replaces proline, which is neutral and non-polar, with threonine, which is neutral and polar, at codon 398 of the PALLD protein (p.Pro398Thr).